The following is an entry in ClinVar:

ClinVar aggregate classification (germline): Uncertain significance (1 of 4 stars; one submission).

Submission:

GeneDx
Classification: Uncertain significance. Last evaluated: 2020-10-29. Review status: criteria provided, single submitter. Criteria: GeneDx Variant Classification Process June 2021. Collection method: clinical testing. Allele origin: germline. Affected: yes.
Comment: Not observed in large population cohorts (Lek et al., 2016); In silico analysis supports that this missense variant has a deleterious effect on protein structure/function; Has not been previously published as pathogenic or benign to our knowledge; Variants in candidate genes are classified as variants of uncertain significance in accordance with ACMG guidelines (Richards et al., 2015)

NM_001961.4(EEF2):c.86A>C (p.Asp29Ala)

Gene: EEF2 (eukaryotic translation elongation factor 2; minus strand). Cytogenetic location: 19p13.3.
Variant type: single nucleotide variant.
Coding change: c.86A>C on transcript NM_001961.4 (MANE Select); coding-DNA position 86, A replaced by C.
Protein change: p.Asp29Ala; replaces aspartic acid 29 with alanine.
Molecular consequence: missense variant.
Genome position (GRCh38, 1-based): chr19:3,984,268, T>G on the plus strand (A>C on the coding strand, the complement: EEF2 is on the minus strand). VCF-style: chr19-3984268-T-G. GRCh37 (hg19) VCF-style: chr19-3984266-T-G.
Other names: short protein forms D29A.
Identifiers: ClinVar variation 1320715 (VCV001320715.2), dbSNP rs2145367375, ClinGen allele CA403395691.